The following is an entry in ClinVar:

ClinVar aggregate classification (germline): Likely benign. Review status: criteria provided, multiple submitters, no conflicts (2 of 4 stars). 2 submissions from 2 submitters: Likely benign (2). Last evaluated 2025-05-27.

Conditions:
Long QT syndrome (LQTS). Identifiers: MedGen C0023976, MeSH D008133, MONDO:0002442. Disease mechanism: loss of function. Inheritance: Various modes of inheritance.

Allele frequency attached by ClinVar (database versions not stated): TOPMed 0.00001; 1000 Genomes Project 30x 0.00016; 1000 Genomes Project 0.00020.
gnomAD v4.1: 3 of 1,593,322 alleles (0.00019%); highest among the groups gnomAD compares: African/African-American, 0.0027%; no homozygotes.

Submissions (2):

Labcorp Genetics (formerly Invitae), Labcorp
Classification: Likely benign for Long QT syndrome. Last evaluated: 2025-05-27. Review status: criteria provided, single submitter. Criteria: Invitae Variant Classification Sherloc (09022015). Collection method: clinical testing. Allele origin: germline.

GeneDx
Classification: Likely benign. Last evaluated: 2017-07-25. Review status: criteria provided, single submitter. Criteria: GeneDx Variant Classification (06012015). Collection method: clinical testing. Allele origin: germline. Affected: yes.
Comment: This variant is considered likely benign or benign based on one or more of the following criteria: it is a conservative change, it occurs at a poorly conserved position in the protein, it is predicted to be benign by multiple in silico algorithms, and/or has population frequency not consistent with disease.

NM_001148.6(ANK2):c.2376+12G>A

Gene: ANK2 (ankyrin 2; plus strand). Cytogenetic location: 4q26.
Variant type: single nucleotide variant.
Coding change: c.2376+12G>A on transcript NM_001148.6 (MANE Select); 12 bases into the intron after coding-DNA position 2376, G replaced by A.
Molecular consequence: intron variant.
Genome position (GRCh38, 1-based): chr4:113,292,526, G>A. VCF-style: chr4-113292526-G-A. GRCh37 (hg19) VCF-style: chr4-114213682-G-A.
Other names: c.2364+12G>A (NM_001386186.2, NM_001386148.2); c.2166+12G>A (NM_001354269.3); c.2340+12G>A (NM_001386187.2); c.2334+12G>A (NM_001386147.1, NM_001386160.1, NM_001354261.2); c.2313+12G>A (NM_001354254.2, NM_001354239.2, NM_001354252.2 and 10 more transcripts); c.2214+12G>A (NM_001354253.2, NM_001354270.2, NM_001354257.2 and 1 more transcripts); c.2289+12G>A (NM_001354249.2, NM_001354266.2, NM_001354276.2 and 10 more transcripts); c.2190+12G>A (NM_001386151.1, NM_001354260.2, NM_001354271.2); and 8 more.
Identifiers: ClinVar variation 511047 (VCV000511047.3), dbSNP rs527573146, ClinGen allele CA3050531.